The following is an entry in ClinVar:

ClinVar aggregate classification (germline): Uncertain significance. Review status: criteria provided, single submitter (1 of 4 stars). 2 submissions from 2 submitters: Uncertain significance (1). 1 of the submissions does not count toward it. Last evaluated 2025-10-27.

Conditions:
Deficiency of guanidinoacetate methyltransferase (CCDS2). Also called: GAMT DEFICIENCY; CEREBRAL CREATINE DEFICIENCY SYNDROME 2; Guanidinoacetate Methyltransferase (GAMT) Deficiency. Identifiers: Orphanet 382, MedGen C0574080, MONDO:0012999, OMIM 612736.
Cerebral creatine deficiency syndrome. Also called: Creatine deficiency syndromes. Identifiers: Orphanet 79172, MedGen C5244016, MONDO:0000456.

Allele frequency attached by ClinVar (database versions not stated): gnomAD exomes 0.00001 and 0.00002; ExAC 0.00002; gnomAD 0.00001.
gnomAD v4.1: 12 of 1,611,078 alleles (0.00074%); highest among the groups gnomAD compares: Admixed American, 0.0067%; no homozygotes.

Submissions (2):

Labcorp Genetics (formerly Invitae), Labcorp
Classification: Uncertain significance for Cerebral creatine deficiency syndrome. Last evaluated: 2025-10-27. Review status: criteria provided, single submitter. Criteria: Invitae Variant Classification Sherloc (09022015). Collection method: clinical testing. Allele origin: germline.
Comment: This sequence change replaces alanine, which is neutral and non-polar, with valine, which is neutral and non-polar, at codon 213 of the GAMT protein (p.Ala213Val). This variant is present in population databases (rs761535571, gnomAD 0.01%). This variant has not been reported in the literature in individuals affected with GAMT-related conditions. ClinVar contains an entry for this variant (Variation ID: 970545). Invitae Evidence Modeling of protein sequence and biophysical properties (such as structural, functional, and spatial information, amino acid conservation, physicochemical variation, residue mobility, and thermodynamic stability) indicates that this missense variant is not expected to disrupt GAMT protein function with a negative predictive value of 95%. In summary, the available evidence is currently insufficient to determine the role of this variant in disease. Therefore, it has been classified as a Variant of Uncertain Significance.

Natera, Inc.
Classification: Uncertain significance for Guanidinoacetate methyltransferase deficiency. Last evaluated: 2020-01-17. Review status: no assertion criteria provided. Collection method: clinical testing. Allele origin: germline. Not counted in ClinVar's aggregate classification.

NM_000156.6(GAMT):c.638C>T (p.Ala213Val)

Gene: GAMT (guanidinoacetate N-methyltransferase; minus strand). Cytogenetic location: 19p13.3.
Variant type: single nucleotide variant.
Coding change: c.638C>T on transcript NM_000156.6 (MANE Select); coding-DNA position 638, C replaced by T.
Protein change: p.Ala213Val; replaces alanine 213 with valine.
Molecular consequence: missense variant.
Genome position (GRCh38, 1-based): chr19:1,397,432, G>A on the plus strand (C>T on the coding strand, the complement: GAMT is on the minus strand). VCF-style: chr19-1397432-G-A. GRCh37 (hg19) VCF-style: chr19-1397431-G-A.
Other names: short protein forms A213V.
Identifiers: ClinVar variation 970545 (VCV000970545.6), dbSNP rs761535571, ClinGen allele CA9043547.